The following is an entry in ClinVar:

NM_001220.5(CAMK2B):c.697-1G>C

Gene: CAMK2B (calcium/calmodulin dependent protein kinase II beta; minus strand). Cytogenetic location: 7p13.
Variant type: single nucleotide variant.
Coding change: c.697-1G>C on transcript NM_001220.5 (MANE Select); the canonical splice acceptor site of the intron before coding-DNA position 697, G replaced by C.
Molecular consequence: splice acceptor variant.
Genome position (GRCh38, 1-based): chr7:44,242,341, C>G on the plus strand (G>C on the coding strand, the complement: CAMK2B is on the minus strand). VCF-style: chr7-44242341-C-G. GRCh37 (hg19) VCF-style: chr7-44281940-C-G.
Other names: c.697-1G>C (NM_172084.3, NM_172080.3, NM_172083.3 and 5 more transcripts).
Identifiers: ClinVar variation 2818123 (VCV002818123.4), dbSNP rs2486036474, ClinGen allele CA367364410.

ClinVar aggregate classification (germline): Uncertain significance. Review status: criteria provided, multiple submitters, no conflicts (2 of 4 stars). 2 submissions from 2 submitters: Uncertain significance (2). Last evaluated 2025-03-24.

Submissions (2):

GeneDx
Classification: Uncertain significance. Last evaluated: 2025-03-24. Review status: criteria provided, single submitter. Criteria: GeneDx Variant Classification Process June 2021. Collection method: clinical testing. Allele origin: germline. Affected: yes.
Comment: Not observed at significant frequency in large population cohorts (gnomAD); Canonical splice site variant in a gene for which loss-of-function is not a known mechanism of disease; Has not been previously published as pathogenic or benign to our knowledge

Labcorp Genetics (formerly Invitae), Labcorp
Classification: Uncertain significance. Last evaluated: 2023-01-19. Review status: criteria provided, single submitter. Criteria: Invitae Variant Classification Sherloc (09022015). Collection method: clinical testing. Allele origin: germline.
Comment: In summary, the available evidence is currently insufficient to determine the role of this variant in disease. Therefore, it has been classified as a Variant of Uncertain Significance. Algorithms developed to predict the effect of sequence changes on RNA splicing suggest that this variant may disrupt the consensus splice site. This variant has not been reported in the literature in individuals affected with CAMK2B-related conditions. This variant is not present in population databases (gnomAD no frequency). This sequence change affects an acceptor splice site in intron 9 of the CAMK2B gene. It is expected to disrupt RNA splicing. Variants that disrupt the donor or acceptor splice site typically lead to a loss of protein function (PMID: 16199547), however the current clinical and genetic evidence is not sufficient to establish whether loss-of-function variants in CAMK2B cause disease.

Literature cited by the submitters: PubMed 16199547 (cited by Labcorp Genetics (formerly Invitae), Labcorp).